The following is an entry in ClinVar:

ClinVar aggregate classification (germline): Uncertain significance (1 of 4 stars; one submission).

Conditions:
LAMA2-related muscular dystrophy (LAMA2-RD). Also called: Laminin alpha 2-related dystrophy. Identifiers: MedGen C5679788, MONDO:0100228.

Submission:

Labcorp Genetics (formerly Invitae), Labcorp
Classification: Uncertain significance for LAMA2-related muscular dystrophy. Last evaluated: 2022-06-20. Review status: criteria provided, single submitter. Criteria: Invitae Variant Classification Sherloc (09022015). Collection method: clinical testing. Allele origin: germline.
Comment: This sequence change replaces valine, which is neutral and non-polar, with alanine, which is neutral and non-polar, at codon 1542 of the LAMA2 protein (p.Val1542Ala). This variant is not present in population databases (gnomAD no frequency). This variant has not been reported in the literature in individuals affected with LAMA2-related conditions. ClinVar contains an entry for this variant (Variation ID: 1021154). Advanced modeling of protein sequence and biophysical properties (such as structural, functional, and spatial information, amino acid conservation, physicochemical variation, residue mobility, and thermodynamic stability) performed at Invitae indicates that this missense variant is not expected to disrupt LAMA2 protein function. In summary, the available evidence is currently insufficient to determine the role of this variant in disease. Therefore, it has been classified as a Variant of Uncertain Significance.

NM_000426.4(LAMA2):c.4625T>C (p.Val1542Ala)

Gene: LAMA2 (laminin subunit alpha 2; plus strand). Cytogenetic location: 6q22.33.
Variant type: single nucleotide variant.
Coding change: c.4625T>C on transcript NM_000426.4 (MANE Select); coding-DNA position 4625, T replaced by C.
Protein change: p.Val1542Ala; replaces valine 1542 with alanine.
Molecular consequence: missense variant.
Genome position (GRCh38, 1-based): chr6:129,353,265, T>C. VCF-style: chr6-129353265-T-C. GRCh37 (hg19) VCF-style: chr6-129674410-T-C.
Other names: c.4625T>C, p.Val1542Ala (NM_001079823.2); short protein forms V1542A.
Identifiers: ClinVar variation 1021154 (VCV001021154.2), dbSNP rs1776958481, ClinGen allele CA365618642.